The following is an entry in ClinVar:

NM_014045.5(LRP10):c.39C>T (p.Gly13=)

Gene: LRP10 (LDL receptor related protein 10; plus strand). Cytogenetic location: 14q11.2.
Variant type: single nucleotide variant.
Coding change: c.39C>T on transcript NM_014045.5 (MANE Select); coding-DNA position 39, C replaced by T.
Protein change: p.Gly13=; no amino-acid change (glycine 13 retained).
Molecular consequence: synonymous variant.
Genome position (GRCh38, 1-based): chr14:22,872,742, C>T. VCF-style: chr14-22872742-C-T. GRCh37 (hg19) VCF-style: chr14-23341951-C-T.
Other names: p.Gly13=; c.39C>T, p.Gly13= (NM_001329226.2); c.39C>T (NM_014045.4).
Identifiers: ClinVar variation 1233313 (VCV001233313.7), dbSNP rs34294471, ClinGen allele CA7105599.

ClinVar aggregate classification (germline): Benign. Review status: criteria provided, multiple submitters, no conflicts (2 of 4 stars). 4 submissions from 4 submitters: Benign (3). 1 of the submissions does not count toward it. Last evaluated 2022-03-23.

Conditions:
LRP10-related disorder. Also called: LRP10-related condition.

Allele frequency attached by ClinVar (database versions not stated): gnomAD 0.04385 and 0.04271; 1000 Genomes Project 0.05491; TOPMed 0.04379; 1000 Genomes Project 30x 0.05418; gnomAD exomes 0.01359 and 0.02485; ExAC 0.02724; ESP Exome Variant Server 0.03783.
gnomAD v4.1: 26,847 of 1,613,914 alleles (1.7%); highest among the groups gnomAD compares: African/African-American, 11%; 781 homozygotes.

Submissions (4):

Mayo Clinic Laboratories, Mayo Clinic
Classification: Benign. Last evaluated: 2022-03-23. Review status: criteria provided, single submitter. Criteria: ACMG Guidelines, 2015. Collection method: clinical testing. Allele origin: germline. Observed: 15 variant alleles.

GeneDx
Classification: Benign. Last evaluated: 2021-05-05. Review status: criteria provided, single submitter. Criteria: GeneDx Variant Classification Process June 2021. Collection method: clinical testing. Allele origin: germline. Affected: yes.

Breakthrough Genomics
Classification: Benign. Review status: criteria provided, single submitter. Criteria: ACMG Guidelines, 2015. Collection method: not provided. Allele origin: germline. Inheritance: Unknown mechanism. Affected: yes.

PreventionGenetics, part of Exact Sciences
Classification: Benign for LRP10-related condition. Last evaluated: 2019-02-18. Review status: no assertion criteria provided. Collection method: clinical testing. Allele origin: germline. Not counted in ClinVar's aggregate classification.
Comment: This variant is classified as benign based on ACMG/AMP sequence variant interpretation guidelines (Richards et al. 2015 PMID: 25741868, with internal and published modifications).